The following is an entry in ClinVar:

NM_016222.4(DDX41):c.1400-1G>A

Gene: DDX41 (DEAD-box helicase 41; minus strand). Cytogenetic location: 5q35.3.
Variant type: single nucleotide variant.
Coding change: c.1400-1G>A on transcript NM_016222.4 (MANE Select); the canonical splice acceptor site of the intron before coding-DNA position 1400, G replaced by A.
Molecular consequence: splice acceptor variant.
Genome position (GRCh38, 1-based): chr5:177,512,646, C>T on the plus strand (G>A on the coding strand, the complement: DDX41 is on the minus strand). VCF-style: chr5-177512646-C-T. GRCh37 (hg19) VCF-style: chr5-176939647-C-T.
Other names: c.1022-1G>A (NM_001321830.2, NM_001321732.2).
Identifiers: ClinVar variation 3713162 (VCV003713162.2).

ClinVar aggregate classification (germline): Likely pathogenic (1 of 4 stars; one submission).

Submission:

Labcorp Genetics (formerly Invitae), Labcorp
Classification: Likely pathogenic. Last evaluated: 2024-09-12. Review status: criteria provided, single submitter. Criteria: Invitae Variant Classification Sherloc (09022015). Collection method: clinical testing. Allele origin: germline.
Comment: This sequence change affects an acceptor splice site in intron 13 of the DDX41 gene. It is expected to disrupt RNA splicing. Variants that disrupt the donor or acceptor splice site typically lead to a loss of protein function (PMID: 16199547), and loss-of-function variants in DDX41 are known to be pathogenic (PMID: 26712909, 27133828). This variant is not present in population databases (gnomAD no frequency). This variant has not been reported in the literature in individuals affected with DDX41-related conditions. Algorithms developed to predict the effect of sequence changes on RNA splicing suggest that this variant may disrupt the consensus splice site. In summary, the currently available evidence indicates that the variant is pathogenic, but additional data are needed to prove that conclusively. Therefore, this variant has been classified as Likely Pathogenic.

Literature cited by the submitters: PubMed 16199547; PubMed 26712909; PubMed 27133828.